The following is an entry in ClinVar:

NM_000018.4(ACADVL):c.1182+1G>A

Gene: ACADVL (acyl-CoA dehydrogenase very long chain; plus strand). Cytogenetic location: 17p13.1.
Variant type: single nucleotide variant.
Coding change: c.1182+1G>A on transcript NM_000018.4 (MANE Select); the canonical splice donor site of the intron after coding-DNA position 1182, G replaced by A.
Molecular consequence: splice donor variant.
Genome position (GRCh38, 1-based): chr17:7,223,238, G>A. VCF-style: chr17-7223238-G-A. GRCh37 (hg19) VCF-style: chr17-7126557-G-A.
Other names: IVS11DS, G-A, +1; c.1251+1G>A (NM_001270447.2); c.954+1G>A (NM_001270448.2); c.1116+1G>A (NM_001033859.3).
Identifiers: ClinVar variation 1622 (VCV000001622.48), dbSNP rs113690956, ClinGen allele CA273937.
Genomic context (GRCh38, chr17:7,223,238, plus strand): 5'-AACTTTGGGCTGATCCAGGAGAAGCTGGCACGGATGGTTATGCTGCAGTATGTAACTGAG[G>A]TGAGGGCCTCCCAAGCCCCTCTCCCTGGAGCCCTGGGGCTTTCTTCCCAGTCGGGTCAGA-3'

ClinVar aggregate classification (germline): Likely pathogenic. Review status: reviewed by expert panel (3 of 4 stars). 14 submissions from 14 submitters: Likely pathogenic (1). 13 of the submissions do not count toward it. Last evaluated 2022-12-14.

Conditions:
ACADVL-related disorder. Also called: ACADVL-related condition.
Very long chain acyl-CoA dehydrogenase deficiency (ACADVLD). Also called: Very Long-Chain Acyl-Coenzyme A Dehydrogenase Deficiency; VLCAD Deficiency. Identifiers: Orphanet 26793, MedGen C3887523, MONDO:0008723, OMIM 201475.

Allele frequency attached by ClinVar (database versions not stated): ExAC 0.00001; gnomAD exomes 0.00002 and 0.00007; gnomAD 0.00003; TOPMed 0.00003.
gnomAD v4.1: 99 of 1,611,340 alleles (0.0061%); highest among the groups gnomAD compares: Non-Finnish European, 0.0081%; no homozygotes.

Submissions (14):

ClinGen ACADVL Variant Curation Expert Panel, ClinGen
Classification: Likely pathogenic for Very long chain acyl-CoA dehydrogenase deficiency. Last evaluated: 2022-12-14. Review status: reviewed by expert panel. Criteria: clingen acadvl acmg specifications v1. Collection method: curation. Allele origin: germline. Inheritance: Autosomal recessive inheritance.
Comment: The c.1182+1G>A variant in ACADVL occurs within the canonical splice donor/acceptor site (+/- 1,2) of intron 11. It is predicted to cause skipping of biologically-relevant-exon 11/20, resulting in an in-frame deletion (removes amino acids 360-394) that is predicted to escape nonsense mediated decay (PVS1_Moderate). The prediction of exon 11 skipping was confirmed by RT-PCR of fibroblasts from an individual homozygous for this variant; however, no VLCAD protein was detected (PMID:7479827). At least one patient with this variant displayed increased C14:1 acylcarnitines and reduced VLCAD activity in fibroblasts, which is highly specific for very long chain acyl-CoA dehydrogenase (VLCAD) deficiency (PP4_Moderate; PMID: 23480858). This variant has been described in individuals identified by newborn screen, but this information is insufficient to use toward classification (PMID:26385305, 21932095). This variant has been described in affected individuals in the homozygous state and not confirmed in trans to a distinct variant of uncertain significance (PM3_Supporting; PMID: 7479827, 27209629, 23480858). The highest population minor allele frequency in gnomAD v2.1.1 is 0.00006154 in African/African American population, which is lower than the ClinGen ACADVL Variant Curation Expert Panel threshold (<0.001) for PM2_Supporting, meeting this criterion (PM2_Supporting). In summary, this variant meets the criteria to be classified as likely pathogenic for autosomal recessive VLCAD deficiency based on the ACMG/AMP criteria applied, as specified by the ClinGen ACADVL Variant Curation Expert Panel: PVS1_Moderate, PP4_Moderate, PM3_Supporting, PM2_Supporting (ACADVL VCEP specifications version 1; approved November 8, 2021).

Labcorp Genetics (formerly Invitae), Labcorp
Classification: Pathogenic for Very long chain acyl-CoA dehydrogenase deficiency. Last evaluated: 2026-01-26. Review status: criteria provided, single submitter. Criteria: Invitae Variant Classification Sherloc (09022015). Collection method: clinical testing. Allele origin: germline. Not counted in ClinVar's aggregate classification.
Comment: This sequence change affects a donor splice site in intron 11 of the ACADVL gene. It is expected to disrupt RNA splicing. Variants that disrupt the donor or acceptor splice site typically lead to a loss of protein function (PMID: 16199547), and loss-of-function variants in ACADVL are known to be pathogenic (PMID: 9973285, 11590124). This variant is present in population databases (rs113690956, gnomAD 0.007%). Disruption of this splice site has been observed in individuals with VLCAD deficiency (PMID: 7479827, 27209629). This variant is also known as IVS11+1. ClinVar contains an entry for this variant (Variation ID: 1622). Algorithms developed to predict the effect of variants on gene product structure and function are not available or were not evaluated for this variant. Experimental studies have shown that disruption of this splice site affects ACADVL function (PMID: 7479827, 21932095). Algorithms developed to predict the effect of sequence changes on RNA splicing suggest that this variant may disrupt the consensus splice site. For these reasons, this variant has been classified as Pathogenic.

Natera, Inc.
Classification: Pathogenic for Very long chain acyl-CoA dehydrogenase deficiency. Last evaluated: 2025-08-28. Review status: criteria provided, single submitter. Criteria: Natera Variant Classification Schema (03/2026). Collection method: clinical testing. Allele origin: germline. Not counted in ClinVar's aggregate classification.
Comment: The c.1182+1G>A variant in ACADVL is a canonical splice donor site variant predicted to affect pre-mRNA splicing, which may result in an abnormal transcript and altered protein product. This variant is expected to result in nonsense mediated decay, truncation, or a dysfunctional protein product. This variant is rare in the general population with a frequency below the threshold expected for the associated phenotype(s). This variant has been observed in one or more individuals affected with the associated recessive disease, as either homozygous or compound heterozygous with a second variant (PMID: 26602010, 7479827, 36109795). Functional studies show that this variant may disrupt protein function (PMID: 7479827). Given the available evidence, this variant is classified as Pathogenic.

ARUP Laboratories, Molecular Genetics and Genomics, ARUP Laboratories
Classification: Pathogenic for Very long chain acyl-CoA dehydrogenase deficiency. Last evaluated: 2024-06-05. Review status: criteria provided, single submitter. Criteria: ARUP Molecular Germline Variant Investigation Process 2024. Collection method: clinical testing. Allele origin: germline. Not counted in ClinVar's aggregate classification.
Comment: The ACADVL c.1182+1G>A variant (rs113690956; ClinVar Variation ID: 1622), is reported in the literature in the homozygous or compound heterozygous state in individuals affected with very long-chain acyl-coenzyme A dehydrogenase deficiency (Hoffmann 2012, Pena 2016, Strauss 1995). This variant is only observed on five alleles in the Genome Aggregation Database (v2.1.1), indicating it is not a common polymorphism. This variant abolishes the canonical splice donor site of intron 11, which is likely to disrupt gene function. Based on available information, the c.1182+1G>A variant is considered to be pathogenic. References: Hoffmann L et al. VLCAD enzyme activity determinations in newborns identified by screening: a valuable tool for risk assessment. J Inherit Metab Dis. 2012 Mar;35(2):269-77. PMID: 21932095. Pena LD et al. Outcomes and genotype-phenotype correlations in 52 individuals with VLCAD deficiency diagnosed by NBS and enrolled in the IBEM-IS database. Mol Genet Metab. 2016 Aug;118(4):272-81. PMID: 27209629. Strauss AW et al. Molecular basis of human mitochondrial very-long-chain acyl-CoA dehydrogenase deficiency causing cardiomyopathy and sudden death in childhood. Proc Natl Acad Sci U S A. 1995 Nov 7;92(23):10496-500. PMID: 7479827.

Baylor Genetics
Classification: Pathogenic for Very long chain acyl-CoA dehydrogenase deficiency. Last evaluated: 2024-03-30. Review status: criteria provided, single submitter. Criteria: ACMG Guidelines, 2015. Collection method: clinical testing. Allele origin: unknown. Not counted in ClinVar's aggregate classification.

Fulgent Genetics
Classification: Pathogenic for Very long chain acyl-CoA dehydrogenase deficiency. Last evaluated: 2024-01-08. Review status: criteria provided, single submitter. Criteria: ACMG Guidelines, 2015. Collection method: clinical testing. Allele origin: germline. Not counted in ClinVar's aggregate classification.

GeneDx
Classification: Pathogenic. Last evaluated: 2023-12-10. Review status: criteria provided, single submitter. Criteria: GeneDx Variant Classification Process June 2021. Collection method: clinical testing. Allele origin: germline. Affected: yes. Not counted in ClinVar's aggregate classification.
Comment: Not observed at a significant frequency in large population cohorts (gnomAD); This variant is associated with the following publications: (PMID: 25525159, 27209629, 21932095, 23480858, 37443404, 7479827, 26602010)

Mayo Clinic Laboratories, Mayo Clinic
Classification: Pathogenic. Last evaluated: 2021-07-27. Review status: criteria provided, single submitter. Criteria: ACMG Guidelines, 2015. Collection method: clinical testing. Allele origin: germline. Not counted in ClinVar's aggregate classification.
Comment: PP4, PM2, PM3, PS3, PVS1_strong

Blueprint Genetics
Classification: Pathogenic for ACADVL-related disorders. Last evaluated: 2021-07-23. Review status: criteria provided, single submitter. Criteria: ACMG Guidelines, 2015. Collection method: clinical testing. Allele origin: germline. Affected: yes. Observed: 4 variant alleles. Not counted in ClinVar's aggregate classification.

Women's Health and Genetics/Laboratory Corporation of America, LabCorp
Classification: Pathogenic for Very long chain acyl-CoA dehydrogenase deficiency. Last evaluated: 2020-09-08. Review status: criteria provided, single submitter. Criteria: LabCorp Variant Classification Summary - May 2015. Collection method: clinical testing. Allele origin: germline. Not counted in ClinVar's aggregate classification.
Comment: Variant summary: ACADVL c.1182+1G>A is located in a canonical splice-site and is predicted to affect mRNA splicing resulting in a significantly altered protein due to either exon skipping, shortening, or inclusion of intronic material. Several computational tools predict a significant impact on normal splicing: Four predict the variant abolishes a 5' splicing donor site. However, these predictions have yet to be confirmed by functional studies. The variant allele was found at a frequency of 2e-05 in 251464 control chromosomes. c.1182+1G>A has been reported in the literature in individuals affected with Very Long Chain Acyl-CoA Dehydrogenase Deficiency (example, Strauss_1995, Pena_2016). At least one publication cites experimental evidence evaluating an impact on protein function. The most pronounced variant effect is cited as deficient mitochondrial dehydrogenase activity against palmitoyl-CoA, no immunoreactive VLCAD protein detected in fibroblast extracts and biosynthetic studies demonstrating rapid degradation of a slightly smaller, immunoreactive mutant VLCAD (Strauss_1995). Additionally, a residual enzyme activity of 50% has been reported as expected for a presumed carrier individual (Hoffmann_2012). Four clinical diagnostic laboratories have submitted clinical-significance assessments for this variant to ClinVar after 2014 without evidence for independent evaluation. All laboratories classified the variant as pathogenic. Based on the evidence outlined above, the variant was classified as pathogenic.

Wong Mito Lab, Molecular and Human Genetics, Baylor College of Medicine
Classification: Pathogenic for Very long chain acyl-CoA dehydrogenase deficiency. Last evaluated: 2019-11-01. Review status: criteria provided, single submitter. Criteria: ACMG Guidelines, 2015. Collection method: clinical testing. Allele origin: germline. Not counted in ClinVar's aggregate classification.
Comment: The NM_000018.3:c.1182+1G>A (NP_000009.1:p.?) [GRCH38: NC_000017.11:g.7223238G>A] variant in ACADVL gene is interpretated to be Pathogenic based on ACMG guidelines (PMID: 25741868). This variant has been reported in PMID:7479827. This variant meets the following evidence codes reported in the ACMG guidelines: PVS1, PS3

Eurofins Ntd Llc (ga)
Classification: Pathogenic. Last evaluated: 2013-10-24. Review status: criteria provided, single submitter. Criteria: EGL Classification Definitions. Collection method: clinical testing. Allele origin: germline. Observed: 1 variant allele, 1 heterozygote. Not counted in ClinVar's aggregate classification.

Counsyl
Classification: Likely pathogenic for Very long chain acyl-CoA dehydrogenase deficiency. Last evaluated: 2014-04-29. Review status: no assertion criteria provided. Collection method: literature only. Allele origin: unknown. Inheritance: Autosomal recessive inheritance. Not counted in ClinVar's aggregate classification.

OMIM
Classification: Pathogenic for VLCAD DEFICIENCY. Last evaluated: 1995-11-07. Review status: no assertion criteria provided. Collection method: literature only. Allele origin: germline. Not counted in ClinVar's aggregate classification.

Literature cited by the submitters: PubMed 16199547 (cited by Labcorp Genetics (formerly Invitae), Labcorp); PubMed 9973285 (cited by Labcorp Genetics (formerly Invitae), Labcorp); PubMed 11590124 (cited by Labcorp Genetics (formerly Invitae), Labcorp); PubMed 7479827 (cited by 7 submitters); PubMed 27209629 (cited by 3 submitters); PubMed 21932095 (cited by 4 submitters); PubMed 26602010 (cited by Natera, Inc. and Mayo Clinic Laboratories, Mayo Clinic); PubMed 36109795 (cited by Natera, Inc.); PubMed 23480858 (cited by Mayo Clinic Laboratories, Mayo Clinic); PubMed 34194748 (cited by Mayo Clinic Laboratories, Mayo Clinic).